The following is an entry in ClinVar:

NM_003002.4(SDHD):c.450C>T (p.Cys150=)

Gene: SDHD (succinate dehydrogenase complex subunit D; plus strand). Cytogenetic location: 11q23.1.
Variant type: single nucleotide variant.
Coding change: c.450C>T on transcript NM_003002.4 (MANE Select); coding-DNA position 450, C replaced by T.
Protein change: p.Cys150=; no amino-acid change (cysteine 150 retained).
Molecular consequence: synonymous variant. On other transcripts: 3 prime UTR variant (2), non-coding transcript variant (1).
Genome position (GRCh38, 1-based): chr11:112,094,940, C>T. VCF-style: chr11-112094940-C-T. GRCh37 (hg19) VCF-style: chr11-111965664-C-T.
Other names: c.*47C>T (NM_001276503.2); c.333C>T, p.Cys111= (NM_001276504.2); c.*148C>T (NM_001276506.2).
Identifiers: ClinVar variation 1641100 (VCV001641100.12), dbSNP rs201337439, ClinGen allele CA071425.

ClinVar aggregate classification (germline): Conflicting classifications of pathogenicity. Review status: criteria provided, conflicting classifications (1 of 4 stars). 4 submissions from 4 submitters: Uncertain significance (1); Benign (1); Likely benign (2). Last evaluated 2025-08-06.

Conditions:
Pheochromocytoma/paraganglioma syndrome 1. Also called: Paragangliomas 1; Glomus tumors familial 1; Paraganglioma - glomus jugulare; PARAGANGLIOMATA; SDHD-Related Hereditary Paraganglioma-Pheochromocytoma Syndrome; PARAGANGLIOMAS, FAMILIAL NONCHROMAFFIN, 1. Identifiers: Orphanet 29072, MedGen C3494181, MONDO:0008192, OMIM 168000.
Carney-Stratakis syndrome. Also called: PARAGANGLIOMA AND GASTROINTESTINAL STROMAL TUMOR. Identifiers: Orphanet 97286, MedGen C1847319, MONDO:0011740, OMIM 606864.
Paragangliomas with sensorineural hearing loss. Identifiers: MedGen C1868633.
Cowden syndrome 3 (CWS3). Identifiers: Orphanet 201, MedGen CN166604, MONDO:0014045.
Pheochromocytoma. Also called: MAX-Related Hereditary Paraganglioma-Pheochromocytoma Syndrome. Identifiers: Orphanet 29072, MedGen C0031511, MONDO:0008233, OMIM 171300, HP:0002666.
Hereditary cancer-predisposing syndrome. Also called: Tumor predisposition; Hereditary neoplastic syndrome; Neoplastic Syndromes, Hereditary; Hereditary Cancer Syndrome. Identifiers: Orphanet 140162, MedGen C0027672, MeSH D009386, MONDO:0015356.

Allele frequency attached by ClinVar (database versions not stated): gnomAD exomes below 0.00001; ExAC 0.00001; gnomAD 0.00001; 1000 Genomes Project 30x 0.00016; 1000 Genomes Project 0.00020.
gnomAD v4.1: 3 of 1,611,460 alleles (0.00019%); highest among the groups gnomAD compares: East Asian, 0.0067%; no homozygotes.

Submissions (4):

Labcorp Genetics (formerly Invitae), Labcorp
Classification: Likely benign for Carney-Stratakis syndrome; Paragangliomas with sensorineural hearing loss; Pheochromocytoma; Cowden syndrome 3. Last evaluated: 2025-08-06. Review status: criteria provided, single submitter. Criteria: Invitae Variant Classification Sherloc (09022015). Collection method: clinical testing. Allele origin: germline.

Myriad Genetics, Inc.
Classification: Benign for Pheochromocytoma/paraganglioma syndrome 1. Last evaluated: 2025-03-18. Review status: criteria provided, single submitter. Criteria: Myriad Autosomal Dominant, Autosomal Recessive and X-Linked Classification Criteria (2023). Collection method: clinical testing. Allele origin: unknown.
Comment: This variant is considered benign. This variant is a silent/synonymous amino acid change and it is not expected to impact splicing.

GeneDx
Classification: Uncertain significance. Last evaluated: 2023-07-11. Review status: criteria provided, single submitter. Criteria: GeneDx Variant Classification Process June 2021. Collection method: clinical testing. Allele origin: germline. Affected: yes.
Comment: Not observed at significant frequency in large population cohorts (gnomAD); In silico analysis supports that this variant does not alter splicing; Has not been previously published as pathogenic or benign to our knowledge

Ambry Genetics
Classification: Likely benign for Hereditary cancer-predisposing syndrome. Last evaluated: 2021-07-17. Review status: criteria provided, single submitter. Criteria: Ambry Variant Classification Scheme 2023. Collection method: clinical testing. Allele origin: germline.